The following is an entry in ClinVar:

NM_020778.5(ALPK3):c.4415G>A (p.Cys1472Tyr)

Gene: ALPK3 (alpha kinase 3; plus strand). Cytogenetic location: 15q25.3.
Variant type: single nucleotide variant.
Coding change: c.4415G>A on transcript NM_020778.5 (MANE Select); coding-DNA position 4415, G replaced by A.
Protein change: p.Cys1472Tyr; replaces cysteine 1472 with tyrosine.
Molecular consequence: missense variant.
Genome position (GRCh38, 1-based): chr15:84,863,556, G>A. VCF-style: chr15-84863556-G-A. GRCh37 (hg19) VCF-style: chr15-85406787-G-A.
Other names: c.5021G>A (NM_020778.4); short protein forms C1472Y.
Identifiers: ClinVar variation 4743779 (VCV004743779.2).

ClinVar aggregate classification (germline): Uncertain significance. Review status: criteria provided, multiple submitters, no conflicts (2 of 4 stars). 2 submissions from 2 submitters: Uncertain significance (2). Last evaluated 2026-06-04.

Conditions:
Cardiovascular phenotype. Identifiers: MedGen CN230736.

Submissions (2):

Ambry Genetics
Classification: Uncertain significance for Cardiovascular phenotype. Last evaluated: 2026-06-04. Review status: criteria provided, single submitter. Criteria: Ambry Variant Classification Scheme 2023. Collection method: clinical testing. Allele origin: germline.

Labcorp Genetics (formerly Invitae), Labcorp
Classification: Uncertain significance. Last evaluated: 2025-06-18. Review status: criteria provided, single submitter. Criteria: Invitae Variant Classification Sherloc (09022015). Collection method: clinical testing. Allele origin: germline.
Comment: This sequence change replaces cysteine, which is neutral and slightly polar, with tyrosine, which is neutral and polar, at codon 1674 of the ALPK3 protein (p.Cys1674Tyr). This variant is not present in population databases (gnomAD no frequency). This variant has not been reported in the literature in individuals affected with ALPK3-related conditions. Invitae Evidence Modeling of protein sequence and biophysical properties (such as structural, functional, and spatial information, amino acid conservation, physicochemical variation, residue mobility, and thermodynamic stability) indicates that this missense variant is expected to disrupt ALPK3 protein function with a positive predictive value of 80%. In summary, the available evidence is currently insufficient to determine the role of this variant in disease. Therefore, it has been classified as a Variant of Uncertain Significance.